The following is an entry in ClinVar:

NM_000168.6(GLI3):c.1096C>T (p.Arg366Ter)

Gene: GLI3 (GLI family zinc finger 3; minus strand). Cytogenetic location: 7p14.1.
Variant type: single nucleotide variant.
Coding change: c.1096C>T on transcript NM_000168.6 (MANE Select); coding-DNA position 1096, C replaced by T.
Protein change: p.Arg366Ter; replaces arginine 366 with a stop codon.
Molecular consequence: nonsense.
Genome position (GRCh38, 1-based): chr7:42,026,345, G>A on the plus strand (C>T on the coding strand, the complement: GLI3 is on the minus strand). VCF-style: chr7-42026345-G-A. GRCh37 (hg19) VCF-style: chr7-42065944-G-A.
Other names: short protein forms R366*.
Identifiers: ClinVar variation 664752 (VCV000664752.13), dbSNP rs1583805203, ClinGen allele CA367326938.

ClinVar aggregate classification (germline): Pathogenic. Review status: criteria provided, multiple submitters, no conflicts (2 of 4 stars). 4 submissions from 4 submitters: Pathogenic (2). 2 of the submissions do not count toward it. Last evaluated 2023-11-15.

Conditions:
Pallister-Hall syndrome (PHS). Also called: HYPOTHALAMIC HAMARTOBLASTOMA, HYPOPITUITARISM, IMPERFORATE ANUS, AND POSTAXIAL POLYDACTYLY; GLI3-Related Pallister-Hall Syndrome. Identifiers: Orphanet 672, MedGen C0265220, MONDO:0007804, OMIM 146510.
Greig cephalopolysyndactyly syndrome (GCPS). Also called: GLI3-Related Greig Cephalopolysyndactyly Syndrome; POLYSYNDACTYLY WITH PECULIAR SKULL SHAPE; Greig syndrome. Identifiers: Orphanet 380, MedGen C0265306, MONDO:0008287, OMIM 175700.

gnomAD v4.1: 1 of 1,614,114 alleles (0.000062%); highest among the groups gnomAD compares: Non-Finnish European, 0.000085%; no homozygotes.

Submissions (4):

GeneDx
Classification: Pathogenic. Last evaluated: 2023-11-15. Review status: criteria provided, single submitter. Criteria: GeneDx Variant Classification Process June 2021. Collection method: clinical testing. Allele origin: germline. Affected: yes.
Comment: Identified in a patient with features of Greig cephalopolysyndactyly syndrome in the published literature (PMID: 20672375); Nonsense variant predicted to result in protein truncation or nonsense mediated decay in a gene for which loss-of-function is a known mechanism of disease; Not observed at significant frequency in large population cohorts (gnomAD); This variant is associated with the following publications: (PMID: 25525159, 12794692, 20672375)

Labcorp Genetics (formerly Invitae), Labcorp
Classification: Pathogenic for Pallister-Hall syndrome; Greig cephalopolysyndactyly syndrome. Last evaluated: 2023-07-07. Review status: criteria provided, single submitter. Criteria: Invitae Variant Classification Sherloc (09022015). Collection method: clinical testing. Allele origin: germline.
Comment: This sequence change creates a premature translational stop signal (p.Arg366*) in the GLI3 gene. It is expected to result in an absent or disrupted protein product. Loss-of-function variants in GLI3 are known to be pathogenic (PMID: 10441570, 15739154, 18000979, 24736735). This variant is not present in population databases (gnomAD no frequency). This premature translational stop signal has been observed in individuals with Greig cephalopolysyndactyly syndrome (PMID: 12794692, 20672375). ClinVar contains an entry for this variant (Variation ID: 664752). For these reasons, this variant has been classified as Pathogenic.

Clinical Genetics DNA and cytogenetics Diagnostics Lab, Erasmus MC, Erasmus Medical Center
Classification: Pathogenic. Review status: no assertion criteria provided. Collection method: clinical testing. Allele origin: germline. Affected: yes. Study: VKGL Data-share Consensus. Not counted in ClinVar's aggregate classification.

Genome Diagnostics Laboratory, Amsterdam University Medical Center
Classification: Pathogenic. Review status: no assertion criteria provided. Collection method: clinical testing. Allele origin: germline. Affected: yes. Study: VKGL Data-share Consensus. Not counted in ClinVar's aggregate classification.

Literature cited by the submitters: PubMed 10441570 (cited by Labcorp Genetics (formerly Invitae), Labcorp); PubMed 15739154 (cited by Labcorp Genetics (formerly Invitae), Labcorp); PubMed 18000979 (cited by Labcorp Genetics (formerly Invitae), Labcorp); PubMed 24736735 (cited by Labcorp Genetics (formerly Invitae), Labcorp); PubMed 12794692 (cited by Labcorp Genetics (formerly Invitae), Labcorp); PubMed 20672375 (cited by Labcorp Genetics (formerly Invitae), Labcorp).